The following is an entry in ClinVar:

ClinVar aggregate classification (germline): Uncertain significance. Review status: criteria provided, multiple submitters, no conflicts (2 of 4 stars). 2 submissions from 2 submitters: Uncertain significance (2). Last evaluated 2024-03-26.

Conditions:
DNA ligase IV deficiency. Identifiers: Orphanet 99812, MedGen C1847827, MONDO:0011686, OMIM 606593.

Allele frequency attached by ClinVar (database versions not stated): gnomAD 0.00001 and 0.00002; ExAC 0.00002; gnomAD exomes 0.00002; TOPMed 0.00003.
gnomAD v4.1: 43 of 1,613,214 alleles (0.0027%); highest among the groups gnomAD compares: South Asian, 0.0055%; no homozygotes.

Submissions (2):

Clinical Genetics and Genomics, Karolinska University Hospital
Classification: Uncertain significance for DNA ligase IV deficiency. Last evaluated: 2024-03-26. Review status: criteria provided, single submitter. Criteria: ACMG Guidelines, 2015. Collection method: clinical testing. Allele origin: germline. Inheritance: Autosomal recessive inheritance. Affected: yes. Observed: 5 variant alleles.
Comment: The variation shows a moderately conserved nucleotide (phyloP: 4.97 [-19.0, 10.9]) and is situated in the DNA ligase, ATP-dependent, N-terminal domain. There is a large physicochemical difference between Arg and Cys. The c.94C>T variant is present in population databases (rs770549827, gnomAD v2.1.1 - 5 heterozygous allele counts and gnomAD 4.0.0 - 43 heterozygous allele counts ). This variant has t oour knowledge not been reported in the literature in individuals affected with LIG4-related conditions. Computational predictions do not agree on the potential impact of this missense change. In summary the variant is classified as a variant of uncertain significance.

Labcorp Genetics (formerly Invitae), Labcorp
Classification: Uncertain significance for DNA ligase IV deficiency. Last evaluated: 2021-10-04. Review status: criteria provided, single submitter. Criteria: Invitae Variant Classification Sherloc (09022015). Collection method: clinical testing. Allele origin: germline.
Comment: This sequence change replaces arginine with cysteine at codon 32 of the LIG4 protein (p.Arg32Cys). The arginine residue is moderately conserved and there is a large physicochemical difference between arginine and cysteine. This variant is present in population databases (rs770549827, ExAC 0.006%). This variant has not been reported in the literature in individuals affected with LIG4-related conditions. Algorithms developed to predict the effect of missense changes on protein structure and function are either unavailable or do not agree on the potential impact of this missense change (SIFT: "Tolerated"; PolyPhen-2: "Probably Damaging"; Align-GVGD: "Class C15"). In summary, the available evidence is currently insufficient to determine the role of this variant in disease. Therefore, it has been classified as a Variant of Uncertain Significance.

NM_206937.2(LIG4):c.94C>T (p.Arg32Cys)

Gene: LIG4 (DNA ligase 4; minus strand). Cytogenetic location: 13q33.3.
Variant type: single nucleotide variant.
Coding change: c.94C>T on transcript NM_206937.2 (MANE Select); coding-DNA position 94, C replaced by T.
Protein change: p.Arg32Cys; replaces arginine 32 with cysteine.
Molecular consequence: missense variant. On other transcripts: 5 prime UTR variant (1).
Genome position (GRCh38, 1-based): chr13:108,211,175, G>A on the plus strand (C>T on the coding strand, the complement: LIG4 is on the minus strand). VCF-style: chr13-108211175-G-A. GRCh37 (hg19) VCF-style: chr13-108863523-G-A.
Other names: c.94C>T, p.Arg32Cys (NM_001098268.2, NM_001352598.2, NM_001352599.2 and 6 more transcripts); c.-108C>T (NM_001330595.2); c.130C>T, p.Arg44Cys (NM_001352604.2); short protein forms R44C, R32C.
Identifiers: ClinVar variation 835702 (VCV000835702.5), dbSNP rs770549827, ClinGen allele CA7043890.